The following is an entry in ClinVar:

NM_006767.4(LZTR1):c.1207T>C (p.Phe403Leu)

Gene: LZTR1 (leucine zipper like post translational regulator 1; plus strand). Cytogenetic location: 22q11.21.
Variant type: single nucleotide variant.
Coding change: c.1207T>C on transcript NM_006767.4 (MANE Select); coding-DNA position 1207, T replaced by C.
Protein change: p.Phe403Leu; replaces phenylalanine 403 with leucine.
Molecular consequence: missense variant.
Genome position (GRCh38, 1-based): chr22:20,992,851, T>C. VCF-style: chr22-20992851-T-C. GRCh37 (hg19) VCF-style: chr22-21347140-T-C.
Other names: short protein forms F403L.
Identifiers: ClinVar variation 4615613 (VCV004615613.1).

ClinVar aggregate classification (germline): Uncertain significance (1 of 4 stars; one submission).

Conditions:
Cardiovascular phenotype. Identifiers: MedGen CN230736.
Hereditary cancer-predisposing syndrome. Also called: Neoplastic Syndromes, Hereditary; Tumor predisposition; Hereditary Cancer Syndrome; Hereditary neoplastic syndrome. Identifiers: Orphanet 140162, MedGen C0027672, MeSH D009386, MONDO:0015356.

Submission:

Ambry Genetics
Classification: Uncertain significance for Cardiovascular phenotype; Hereditary cancer-predisposing syndrome. Last evaluated: 2025-09-30. Review status: criteria provided, single submitter. Criteria: Ambry Variant Classification Scheme 2023. Collection method: clinical testing. Allele origin: germline.
Comment: The p.F403L variant (also known as c.1207T>C), located in coding exon 11 of the LZTR1 gene, results from a T to C substitution at nucleotide position 1207. The phenylalanine at codon 403 is replaced by leucine, an amino acid with highly similar properties. This amino acid position is highly conserved in available vertebrate species. In addition, this alteration is predicted to be tolerated by in silico analysis. Based on the available evidence, the clinical significance of this variant remains unclear.